The following is an entry in ClinVar:

ClinVar aggregate classification (germline): Conflicting classifications of pathogenicity. Review status: criteria provided, conflicting classifications (1 of 4 stars). 2 submissions from 2 submitters: Uncertain significance (1); Likely benign (1). Last evaluated 2023-04-01.

Conditions:
Episodic ataxia type 1 (EA1). Also called: Episodic ataxia/myokymia syndrome; MYOKYMIA WITH PERIODIC ATAXIA; PAROXYSMAL ATAXIA WITH NEUROMYOTONIA, HEREDITARY; ATAXIA, EPISODIC, WITH MYOKYMIA. Identifiers: Orphanet 37612, Orphanet 972, MedGen C1719788, MONDO:0008047, OMIM 160120.

Allele frequency attached by ClinVar (database versions not stated): 1000 Genomes Project 0.00040; 1000 Genomes Project 30x 0.00047; gnomAD exomes 0.00055; TOPMed 0.00165; gnomAD 0.00177 and 0.00179.

Submissions (2):

CeGaT Center for Human Genetics Tuebingen
Classification: Likely benign. Last evaluated: 2023-04-01. Review status: criteria provided, single submitter. Criteria: CeGaT Center For Human Genetics Tuebingen Variant Classification Criteria Version 2. Collection method: clinical testing. Allele origin: germline. Affected: yes. Observed: 16 variant alleles.
Comment: KCNA1: BS1

Illumina Laboratory Services, Illumina
Classification: Uncertain significance for Episodic ataxia type 1. Last evaluated: 2018-01-13. Review status: criteria provided, single submitter. Criteria: ICSL Variant Classification Criteria 13 December 2019. Collection method: clinical testing. Allele origin: germline.

NM_000217.3(KCNA1):c.*1469G>A

Gene: KCNA1 (potassium voltage-gated channel subfamily A member 1; plus strand). Cytogenetic location: 12p13.32.
Variant type: single nucleotide variant.
Coding change: c.*1469G>A on transcript NM_000217.3 (MANE Select); 1469 bases downstream of the stop codon, G replaced by A.
Molecular consequence: 3 prime UTR variant.
Genome position (GRCh38, 1-based): chr12:4,914,335, G>A. VCF-style: chr12-4914335-G-A. GRCh37 (hg19) VCF-style: chr12-5023501-G-A.
Identifiers: ClinVar variation 309170 (VCV000309170.37), dbSNP rs536746031, ClinGen allele CA10632972.